The following is an entry in ClinVar:

NM_000203.5(IDUA):c.1123dup (p.Arg375fs)

Gene: IDUA (alpha-L-iduronidase; plus strand). Cytogenetic location: 4p16.3.
Variant type: Duplication.
Coding change: c.1123dup on transcript NM_000203.5 (MANE Select); coding-DNA position 1123, one base duplicated (C; older notation c.1123dupC).
Protein change: p.Arg375fs; shifts the reading frame from arginine 375.
Molecular consequence: frameshift variant. On other transcripts: non-coding transcript variant (1).
Genome position (GRCh38, 1-based): chr4:1,002,419, C duplicated; the last of 3 consecutive C bases (chr4:1,002,417-1,002,419); duplicating any one gives the same sequence. VCF-style (leftmost placement, unchanged base first): chr4-1002416-A-AC. GRCh37 (hg19) VCF-style: chr4-996204-A-AC.
Other names: c.727dup, p.Arg243fs (NM_001363576.1); short protein forms R243fs, R375fs.
Identifiers: ClinVar variation 5011756 (VCV005011756.1).

ClinVar aggregate classification (germline): Pathogenic (1 of 4 stars; one submission).

Conditions:
Mucopolysaccharidosis type 1. Also called: IDUA deficiency; MPS I; Mucopolysaccharidosis Type I. Identifiers: Orphanet 579, MedGen C0023786, MONDO:0001586.

Submission:

Myriad Genetics, Inc.
Classification: Pathogenic for Mucopolysaccharidosis type 1. Last evaluated: 2023-09-27. Review status: criteria provided, single submitter. Criteria: Myriad Autosomal Dominant, Autosomal Recessive and X-Linked Classification Criteria (2023). Collection method: clinical testing. Allele origin: unknown.
Comment: NM_000203.3(IDUA):c.1123dupC(R375Pfs*24) is expected to be pathogenic in the context of mucopolysaccharidosis type I. This variant is predicted to lead to an abnormal or absent protein product due to the creation of a premature termination codon in IDUA, a gene where loss-of-function variants are known to be pathogenic. Please note: this variant was assessed in the context of healthy population screening.